The following is an entry in ClinVar:

ClinVar aggregate classification (germline): Uncertain significance (1 of 4 stars; one submission).

Submission:

Labcorp Genetics (formerly Invitae), Labcorp
Classification: Uncertain significance. Last evaluated: 2024-08-28. Review status: criteria provided, single submitter. Criteria: Invitae Variant Classification Sherloc (09022015). Collection method: clinical testing. Allele origin: germline.
Comment: This sequence change replaces aspartic acid, which is acidic and polar, with glutamic acid, which is acidic and polar, at codon 97 of the RNF43 protein (p.Asp97Glu). This variant is not present in population databases (gnomAD no frequency). This variant has not been reported in the literature in individuals affected with RNF43-related conditions. An algorithm developed to predict the effect of missense changes on protein structure and function (PolyPhen-2) suggests that this variant is likely to be tolerated. In summary, the available evidence is currently insufficient to determine the role of this variant in disease. Therefore, it has been classified as a Variant of Uncertain Significance.

NM_017763.6(RNF43):c.291C>A (p.Asp97Glu)

Gene: RNF43 (ring finger protein 43; minus strand). Cytogenetic location: 17q22.
Variant type: single nucleotide variant.
Coding change: c.291C>A on transcript NM_017763.6 (MANE Select); coding-DNA position 291, C replaced by A.
Protein change: p.Asp97Glu; replaces aspartic acid 97 with glutamic acid.
Molecular consequence: missense variant.
Genome position (GRCh38, 1-based): chr17:58,370,995, G>T on the plus strand (C>A on the coding strand, the complement: RNF43 is on the minus strand). VCF-style: chr17-58370995-G-T. GRCh37 (hg19) VCF-style: chr17-56448356-G-T.
Other names: c.291C>A, p.Asp97Glu (NM_001305544.3); c.-91C>A (NM_001305545.2); short protein forms D97E.
Identifiers: ClinVar variation 3674193 (VCV003674193.2).